The following is an entry in ClinVar:

ClinVar aggregate classification (germline): Pathogenic (1 of 4 stars; one submission).

Conditions:
Hereditary spastic paraplegia 15 (SPG15). Also called: SPASTIC PARAPLEGIA 15, AUTOSOMAL RECESSIVE; KJELLIN SYNDROME; SPASTIC PARAPLEGIA AND RETINAL DEGENERATION. Identifiers: Orphanet 100996, MedGen C1849128, MONDO:0010044, OMIM 270700.

Submission:

Myriad Genetics, Inc.
Classification: Pathogenic for Hereditary spastic paraplegia 15. Last evaluated: 2025-08-06. Review status: criteria provided, single submitter. Criteria: Myriad Autosomal Dominant, Autosomal Recessive and X-Linked Classification Criteria (2023). Collection method: clinical testing. Allele origin: unknown.
Comment: NM_015346.3(ZFYVE26):c.1768_1775del8(H590Afs*5) is expected to be pathogenic in the context of spastic paraplegia type 15. This variant is predicted to lead to an abnormal or absent protein product due to the creation of a premature termination codon in ZFYVE26, a gene where loss-of-function variants are known to be pathogenic. Please note: this variant was assessed in the context of healthy population screening.

NM_015346.4(ZFYVE26):c.1768_1775del (p.His590fs)

Gene: ZFYVE26 (zinc finger FYVE-type containing 26; minus strand). Cytogenetic location: 14q24.1.
Variant type: Deletion.
Coding change: c.1768_1775del on transcript NM_015346.4 (MANE Select); coding-DNA positions 1768 to 1775, 8 bases deleted (CACCCAGA; older notation c.1768_1775delCACCCAGA).
Protein change: p.His590fs; shifts the reading frame from histidine 590.
Molecular consequence: frameshift variant.
Genome position (GRCh38, 1-based): chr14:67,798,487-67,798,494, TCTGGGTG deleted on the plus strand (CACCCAGA on the coding strand, the reverse complement: ZFYVE26 is on the minus strand). VCF-style (leftmost placement, unchanged base first): chr14-67798486-CTCTGGGTG-C. GRCh37 (hg19) VCF-style: chr14-68265203-CTCTGGGTG-C.
Other names: short protein forms H590fs.
Identifiers: ClinVar variation 5014826 (VCV005014826.1).
Genomic context (GRCh38, chr14:67,798,486, plus strand): 5'-ACCTGAGGGGCTCTTCCCCTCAATGTCATCATCCTCAGCATAGTCCTCAGGCAAGTGAGG[CTCTGGGTG>C]AAGATCAGCAGAGGTGATGAGAAGCAATGAGAAGATGTTTTCCAGAAGCTCCAGGCACAG-3'